The following is an entry in ClinVar:

ClinVar aggregate classification (germline): Likely benign (0 of 4 stars; one submission).

Conditions:
XIST-related disorder. Also called: XIST-related condition.

Submission:

PreventionGenetics, part of Exact Sciences
Classification: Likely benign for XIST-related condition. Last evaluated: 2022-02-15. Review status: no assertion criteria provided. Collection method: clinical testing. Allele origin: germline.
Comment: This variant is classified as likely benign based on ACMG/AMP sequence variant interpretation guidelines (Richards et al. 2015 PMID: 25741868, with internal and published modifications).

NR_001564.3(XIST):n.9084_9085delGT

Gene: XIST (X inactive specific transcript; minus strand). Cytogenetic location: Xq13.2.
Variant type: Deletion.
Genome position: GRCh38 VCF-style: chrX-73843628-GCA-G. GRCh37 (hg19) VCF-style: chrX-73063463-GCA-G.
Identifiers: ClinVar variation 3034421 (VCV003034421.2), dbSNP rs756172114, ClinGen allele CA10452812.